The following is an entry in ClinVar:

ClinVar aggregate classification (germline): Uncertain significance (1 of 4 stars; one submission).

Conditions:
Glanzmann thrombasthenia. Also called: PLATELET GLYCOPROTEIN IIb-IIIa DEFICIENCY; BLEEDING DISORDER, PLATELET-TYPE, 2; THROMBASTHENIA OF GLANZMANN AND NAEGELI; Glanzmann's thrombasthenia; Thrombasthenia. Identifiers: Orphanet 849, MedGen C0040015, MONDO:0100326.

gnomAD v4.1: 4 of 1,613,666 alleles (0.00025%); highest among the groups gnomAD compares: African/African-American, 0.004%; no homozygotes.

Submission:

Labcorp Genetics (formerly Invitae), Labcorp
Classification: Uncertain significance for Glanzmann thrombasthenia. Last evaluated: 2026-01-02. Review status: criteria provided, single submitter. Criteria: Invitae Variant Classification Sherloc (09022015). Collection method: clinical testing. Allele origin: germline.
Comment: This sequence change replaces tyrosine, which is neutral and polar, with cysteine, which is neutral and slightly polar, at codon 304 of the ITGA2B protein (p.Tyr304Cys). This variant is not present in population databases (gnomAD no frequency). This variant has not been reported in the literature in individuals affected with ITGA2B-related conditions. Invitae Evidence Modeling of protein sequence and biophysical properties (such as structural, functional, and spatial information, amino acid conservation, physicochemical variation, residue mobility, and thermodynamic stability) has been performed for this missense variant. However, the output from this modeling did not meet the statistical confidence thresholds required to predict the impact of this variant on ITGA2B protein function. In summary, the available evidence is currently insufficient to determine the role of this variant in disease. Therefore, it has been classified as a Variant of Uncertain Significance.

NM_000419.5(ITGA2B):c.911A>G (p.Tyr304Cys)

Gene: ITGA2B (integrin subunit alpha 2b; minus strand). Cytogenetic location: 17q21.31.
Variant type: single nucleotide variant.
Coding change: c.911A>G on transcript NM_000419.5 (MANE Select); coding-DNA position 911, A replaced by G.
Protein change: p.Tyr304Cys; replaces tyrosine 304 with cysteine.
Molecular consequence: missense variant.
Genome position (GRCh38, 1-based): chr17:44,384,119, T>C on the plus strand (A>G on the coding strand, the complement: ITGA2B is on the minus strand). VCF-style: chr17-44384119-T-C. GRCh37 (hg19) VCF-style: chr17-42461487-T-C.
Other names: short protein forms Y304C.
Identifiers: ClinVar variation 4753421 (VCV004753421.1).